The following is an entry in ClinVar:

ClinVar aggregate classification (germline): Likely benign (0 of 4 stars; one submission).

Conditions:
ZFHX3-related disorder. Also called: ZFHX3-related condition.

Allele frequency attached by ClinVar (database versions not stated): TOPMed 0.00012; 1000 Genomes Project 30x 0.00016; gnomAD 0.00016; 1000 Genomes Project 0.00020; gnomAD exomes 0.00022; ExAC 0.00042.
gnomAD v4.1: 344 of 1,613,372 alleles (0.021%); highest among the groups gnomAD compares: East Asian, 0.44%; 2 homozygotes.

Submission:

PreventionGenetics, part of Exact Sciences
Classification: Likely benign for ZFHX3-related condition. Last evaluated: 2019-12-09. Review status: no assertion criteria provided. Collection method: clinical testing. Allele origin: germline.
Comment: This variant is classified as likely benign based on ACMG/AMP sequence variant interpretation guidelines (Richards et al. 2015 PMID: 25741868, with internal and published modifications).

NM_006885.4(ZFHX3):c.6297G>A (p.Pro2099=)

Genes: ZFHX3 (zinc finger homeobox 3; minus strand), ZFHX3-AS1 (ZFHX3 antisense RNA 1; plus strand). Cytogenetic location: 16q22.2.
Variant type: single nucleotide variant.
Coding change: c.6297G>A on transcript NM_006885.4 (MANE Select); coding-DNA position 6297, G replaced by A.
Protein change: p.Pro2099=; no amino-acid change (proline 2099 retained).
Molecular consequence: synonymous variant.
Genome position (GRCh38, 1-based): chr16:72,796,385, C>T on the plus strand (G>A on the coding strand, the complement: ZFHX3 is on the minus strand). VCF-style: chr16-72796385-C-T. GRCh37 (hg19) VCF-style: chr16-72830284-C-T.
Other names: c.3555G>A, p.Pro1185= (NM_001164766.2); c.6297G>A, p.Pro2099= (NM_001386735.1).
Identifiers: ClinVar variation 3048716 (VCV003048716.2), dbSNP rs536413540, ClinGen allele CA8163417.